The following is an entry in ClinVar:

NM_153704.6(TMEM67):c.224-11_224-3del

Gene: TMEM67 (transmembrane protein 67; plus strand). Cytogenetic location: 8q22.1.
Variant type: Deletion.
Coding change: c.224-11_224-3del on transcript NM_153704.6 (MANE Select); 11 bases into the intron before coding-DNA position 224 through 3 bases into the intron before coding-DNA position 224, 9 bases deleted (TTTTTTTTT; older notation c.224-11_224-3delTTTTTTTTT).
Molecular consequence: intron variant.
Genome position (GRCh38, 1-based): chr8:93,755,767-93,755,775, TTTTTTTTT deleted; deleting any 9 consecutive bases within chr8:93,755,752-93,755,775 gives the same sequence; the c. name uses the placement nearest the transcript's 3' end. VCF-style (leftmost placement, unchanged base first): chr8-93755751-CTTTTTTTTT-C. GRCh37 (hg19) VCF-style: chr8-94767979-CTTTTTTTTT-C.
Other names: c.-62+630_-62+638del (NM_001142301.1).
Identifiers: ClinVar variation 4999390 (VCV004999390.1).
Genomic context (GRCh38, chr8:93,755,751, plus strand): 5'-GACTTATTAAAAGTTTCACTATCTGGGAACTTTATTTTTATTTATCAAGGATAAAATTGG[CTTTTTTTTT>C]TTTTTTTTTTTTTTTAGGAACTTCATGTGTATGTCTACCAGGATTTCAGATGATCTCTAA-3'

ClinVar aggregate classification (germline): Likely benign (1 of 4 stars; one submission).

Conditions:
TMEM67-related disorder. Also called: TMEM67-related condition; TMEM67-related disorders. Identifiers: MedGen CN239423.

Submission:

PreventionGenetics, part of Exact Sciences
Classification: Likely benign for TMEM67-related condition. Last evaluated: 2025-03-25. Review status: criteria provided, single submitter. Criteria: ACMG Guidelines, 2015. Collection method: clinical testing. Allele origin: germline.
Comment: This variant is classified as likely benign based on ACMG/AMP sequence variant interpretation guidelines (Richards et al. 2015 PMID: 25741868, with internal and published modifications).